The following is an entry in ClinVar:

ClinVar aggregate classification (germline): Likely benign. Review status: criteria provided, multiple submitters, no conflicts (2 of 4 stars). 2 submissions from 2 submitters: Likely benign (2). Last evaluated 2025-11-21.

Allele frequency attached by ClinVar (database versions not stated): ExAC 0.00002; gnomAD exomes 0.00003; gnomAD 0.00006; TOPMed 0.00009.

Submissions (2):

Labcorp Genetics (formerly Invitae), Labcorp
Classification: Likely benign. Last evaluated: 2025-11-21. Review status: criteria provided, single submitter. Criteria: Invitae Variant Classification Sherloc (09022015). Collection method: clinical testing. Allele origin: germline.

CeGaT Center for Human Genetics Tuebingen
Classification: Likely benign. Last evaluated: 2024-02-01. Review status: criteria provided, single submitter. Criteria: CeGaT Center For Human Genetics Tuebingen Variant Classification Criteria Version 2. Collection method: clinical testing. Allele origin: germline. Affected: yes. Observed: 1 variant allele.
Comment: COL27A1: BP4, BP7

NM_032888.4(COL27A1):c.1530A>G (p.Pro510=)

Gene: COL27A1 (collagen type XXVII alpha 1 chain; plus strand). Cytogenetic location: 9q32.
Variant type: single nucleotide variant.
Coding change: c.1530A>G on transcript NM_032888.4 (MANE Select); coding-DNA position 1530, A replaced by G.
Protein change: p.Pro510=; no amino-acid change (proline 510 retained).
Molecular consequence: synonymous variant.
Genome position (GRCh38, 1-based): chr9:114,169,085, A>G. VCF-style: chr9-114169085-A-G. GRCh37 (hg19) VCF-style: chr9-116931365-A-G.
Identifiers: ClinVar variation 797294 (VCV000797294.32), dbSNP rs756789715, ClinGen allele CA5201405.